The following is an entry in ClinVar:

NM_004304.5(ALK):c.4235C>G (p.Pro1412Arg)

Gene: ALK (ALK receptor tyrosine kinase; minus strand). Cytogenetic location: 2p23.2.
Variant type: single nucleotide variant.
Coding change: c.4235C>G on transcript NM_004304.5 (MANE Select); coding-DNA position 4235, C replaced by G.
Protein change: p.Pro1412Arg; replaces proline 1412 with arginine.
Molecular consequence: missense variant.
Genome position (GRCh38, 1-based): chr2:29,193,852, G>C on the plus strand (C>G on the coding strand, the complement: ALK is on the minus strand). VCF-style: chr2-29193852-G-C. GRCh37 (hg19) VCF-style: chr2-29416718-G-C.
Other names: c.1031C>G, p.Pro344Arg (NM_001353765.2); short protein forms P1412R, P344R.
Identifiers: ClinVar variation 2765208 (VCV002765208.3), dbSNP rs2148138959, ClinGen allele CA346463150.

ClinVar aggregate classification (germline): Uncertain significance (1 of 4 stars; one submission).

Conditions:
Neuroblastoma, susceptibility to, 3. Also called: ALK-Related Neuroblastic Tumor Susceptibility. Identifiers: Orphanet 635, MedGen C2751681, MONDO:0013083, OMIM 613014.

Submission:

Labcorp Genetics (formerly Invitae), Labcorp
Classification: Uncertain significance for Neuroblastoma, susceptibility to, 3. Last evaluated: 2024-01-28. Review status: criteria provided, single submitter. Criteria: Invitae Variant Classification Sherloc (09022015). Collection method: clinical testing. Allele origin: germline.
Comment: This sequence change replaces proline, which is neutral and non-polar, with arginine, which is basic and polar, at codon 1412 of the ALK protein (p.Pro1412Arg). This variant is not present in population databases (gnomAD no frequency). This variant has not been reported in the literature in individuals affected with ALK-related conditions. An algorithm developed to predict the effect of missense changes on protein structure and function (PolyPhen-2) suggests that this variant is likely to be disruptive. In summary, the available evidence is currently insufficient to determine the role of this variant in disease. Therefore, it has been classified as a Variant of Uncertain Significance.